The following is an entry in ClinVar:

NM_000245.4(MET):c.3859G>A (p.Val1287Ile)

Gene: MET (MET proto-oncogene, receptor tyrosine kinase; plus strand). Cytogenetic location: 7q31.2.
Variant type: single nucleotide variant.
Coding change: c.3859G>A on transcript NM_000245.4 (MANE Select); coding-DNA position 3859, G replaced by A.
Protein change: p.Val1287Ile; replaces valine 1287 with isoleucine.
Molecular consequence: missense variant.
Genome position (GRCh38, 1-based): chr7:116,795,715, G>A. VCF-style: chr7-116795715-G-A. GRCh37 (hg19) VCF-style: chr7-116435769-G-A.
Other names: c.3913G>A (NM_001127500.2); c.3913G>A, p.Val1305Ile (NM_001127500.3); c.2569G>A, p.Val857Ile (NM_001324402.2); short protein forms V1287I, V857I, V1305I.
Identifiers: ClinVar variation 836115 (VCV000836115.13), dbSNP rs780102059, ClinGen allele CA4448790.
Genomic context (GRCh38, chr7:116,795,715, plus strand): 5'-TGGTCCTTTGGCGTGCTCCTCTGGGAGCTGATGACAAGAGGAGCCCCACCTTATCCTGAC[G>A]TAAACACCTTTGATATAACTGTTTACTTGTTGCAAGGGAGAAGACTCCTACAACCCGAAT-3'
Protein context (NP_000236.2, residues 1277-1297): MTRGAPPYPD[Val1287Ile]NTFDITVYLL

ClinVar aggregate classification (germline): Conflicting classifications of pathogenicity. Review status: criteria provided, conflicting classifications (1 of 4 stars). 5 submissions from 5 submitters: Uncertain significance (4); Likely benign (1). Last evaluated 2025-09-29.

Conditions:
MET-related disorder. Also called: MET-related condition.
Renal cell carcinoma. Identifiers: Orphanet 217071, MedGen C0007134, MeSH D002292, MONDO:0005086, HP:0005584.
Hereditary cancer-predisposing syndrome. Also called: Neoplastic Syndromes, Hereditary; Tumor predisposition; Hereditary Cancer Syndrome; Hereditary neoplastic syndrome. Identifiers: Orphanet 140162, MedGen C0027672, MeSH D009386, MONDO:0015356.

Allele frequency attached by ClinVar (database versions not stated): gnomAD exomes below 0.00001 and 0.00001; TOPMed below 0.00001; ExAC 0.00001.
gnomAD v4.1: 5 of 1,614,092 alleles (0.00031%); highest among the groups gnomAD compares: East Asian, 0.0089%; no homozygotes.

Submissions (5):

Labcorp Genetics (formerly Invitae), Labcorp
Classification: Uncertain significance for Renal cell carcinoma. Last evaluated: 2025-09-29. Review status: criteria provided, single submitter. Criteria: Invitae Variant Classification Sherloc (09022015). Collection method: clinical testing. Allele origin: germline.
Comment: This sequence change replaces valine, which is neutral and non-polar, with isoleucine, which is neutral and non-polar, at codon 1305 of the MET protein (p.Val1305Ile). This variant is present in population databases (rs780102059, gnomAD 0.01%). This variant has not been reported in the literature in individuals affected with MET-related conditions. ClinVar contains an entry for this variant (Variation ID: 836115). Invitae Evidence Modeling of protein sequence and biophysical properties (such as structural, functional, and spatial information, amino acid conservation, physicochemical variation, residue mobility, and thermodynamic stability) indicates that this missense variant is not expected to disrupt MET protein function with a negative predictive value of 80%. In summary, the available evidence is currently insufficient to determine the role of this variant in disease. Therefore, it has been classified as a Variant of Uncertain Significance.

GeneDx
Classification: Uncertain significance. Last evaluated: 2024-01-24. Review status: criteria provided, single submitter. Criteria: GeneDx Variant Classification Process June 2021. Collection method: clinical testing. Allele origin: germline. Affected: yes.
Comment: Not observed at significant frequency in large population cohorts (gnomAD); In silico analysis supports that this missense variant does not alter protein structure/function; Has not been previously published as pathogenic or benign to our knowledge

Blueprint Genetics
Classification: Uncertain significance. Last evaluated: 2023-04-17. Review status: criteria provided, single submitter. Criteria: ACMG Guidelines, 2015. Collection method: clinical testing. Allele origin: germline.

PreventionGenetics, part of Exact Sciences
Classification: Uncertain significance for MET-related condition. Last evaluated: 2022-09-06. Review status: criteria provided, single submitter. Criteria: ACMG Guidelines, 2015. Collection method: clinical testing. Allele origin: germline.
Comment: The MET c.3913G>A variant is predicted to result in the amino acid substitution p.Val1305Ile. To our knowledge, this variant has not been reported in the literature. This variant is reported in 0.011% of alleles in individuals of East Asian descent in gnomAD. In ClinVar, this variant is interpreted as uncertain. At this time, the clinical significance of this variant is uncertain due to the absence of conclusive functional and genetic evidence.

Ambry Genetics
Classification: Likely benign for Hereditary cancer-predisposing syndrome. Last evaluated: 2022-08-16. Review status: criteria provided, single submitter. Criteria: Ambry Variant Classification Scheme 2023. Collection method: clinical testing. Allele origin: germline.